The following is an entry in ClinVar:

ClinVar aggregate classification (germline): Pathogenic (1 of 4 stars; one submission).

Conditions:
Granulomatous disease, chronic, autosomal recessive, cytochrome b-negative. Also called: GRANULOMATOUS DISEASE, CHRONIC, AUTOSOMAL RECESSIVE, 4; Chronic granulomatous disease, autosomal, due to deficiency of CYBA; CGD DUE TO DEFICIENCY OF THE ALPHA SUBUNIT OF CYTOCHROME b; CGD, AUTOSOMAL RECESSIVE CYTOCHROME b-NEGATIVE; CYBA DEFICIENCY. Identifiers: Orphanet 379, MedGen C1856255, MONDO:0009308, OMIM 233690.

Submission:

Labcorp Genetics (formerly Invitae), Labcorp
Classification: Pathogenic for Granulomatous disease, chronic, autosomal recessive, cytochrome b-negative. Last evaluated: 2021-08-14. Review status: criteria provided, single submitter. Criteria: Invitae Variant Classification Sherloc (09022015). Collection method: clinical testing. Allele origin: germline.
Comment: This variant is a gross deletion of the genomic region encompassing exon(s) 1-5 of the CYBA gene, which includes the initiator codon. This deletion extends beyond the assayed region for this gene and therefore may encompass additional genes. It is expected to result in an absent or disrupted protein product. Loss-of-function variants in CYBA are known to be pathogenic (PMID: 10910929, 20167518, 22876374). This variant has not been reported in the literature in individuals affected with CYBA-related conditions. For these reasons, this variant has been classified as Pathogenic.

Literature cited by the submitters: PubMed 10910929; PubMed 20167518; PubMed 22876374.

NC_000016.9:g.(?_88712514)_(88718096_?)del

Gene: CYBA (cytochrome b-245 alpha chain; minus strand). Cytogenetic location: 16q24.3.
Variant type: Deletion.
Identifiers: ClinVar variation 1458628 (VCV001458628.6).